The following is an entry in ClinVar:

NM_001111.5(ADAR):c.400A>C (p.Ser134Arg)

Gene: ADAR (adenosine deaminase RNA specific; minus strand). Cytogenetic location: 1q21.3.
Variant type: single nucleotide variant.
Coding change: c.400A>C on transcript NM_001111.5 (MANE Select); coding-DNA position 400, A replaced by C.
Protein change: p.Ser134Arg; replaces serine 134 with arginine.
Molecular consequence: missense variant. On other transcripts: 5 prime UTR variant (6).
Genome position (GRCh38, 1-based): chr1:154,602,242, T>G on the plus strand (A>C on the coding strand, the complement: ADAR is on the minus strand). VCF-style: chr1-154602242-T-G. GRCh37 (hg19) VCF-style: chr1-154574718-T-G.
Other names: c.-486A>C (NM_001025107.3, NM_001193495.2, NM_001365046.1 and 3 more transcripts); c.427A>C, p.Ser143Arg (NM_001365045.1); c.400A>C, p.Ser134Arg (NM_015840.4, NM_015841.4); short protein forms S134R, S143R.
Identifiers: ClinVar variation 1994631 (VCV001994631.4), dbSNP rs2526666662, ClinGen allele CA342603390.

ClinVar aggregate classification (germline): Uncertain significance (1 of 4 stars; one submission).

Conditions:
Symmetrical dyschromatosis of extremities (DSH). Also called: DYSCHROMATOSIS SYMMETRICA HEREDITARIA 1; Dyschromatosis symmetrica hereditaria; RETICULATE ACROPIGMENTATION OF DOHI; SYMMETRIC DYSCHROMATOSIS OF THE EXTREMITIES. Identifiers: Orphanet 41, MedGen C0406775, MONDO:0007483, OMIM 127400.
Aicardi-Goutieres syndrome 6 (AGS6). Identifiers: Orphanet 51, MedGen C3539013, MONDO:0014007, OMIM 615010.

Submission:

Labcorp Genetics (formerly Invitae), Labcorp
Classification: Uncertain significance for Aicardi-Goutieres syndrome 6; Symmetrical dyschromatosis of extremities. Last evaluated: 2022-05-15. Review status: criteria provided, single submitter. Criteria: Invitae Variant Classification Sherloc (09022015). Collection method: clinical testing. Allele origin: germline.
Comment: In summary, the available evidence is currently insufficient to determine the role of this variant in disease. Therefore, it has been classified as a Variant of Uncertain Significance. Algorithms developed to predict the effect of missense changes on protein structure and function output the following: SIFT: "Deleterious"; PolyPhen-2: "Benign"; Align-GVGD: "Class C0". The arginine amino acid residue is found in multiple mammalian species, which suggests that this missense change does not adversely affect protein function. This variant has not been reported in the literature in individuals affected with ADAR-related conditions. This variant is not present in population databases (gnomAD no frequency). This sequence change replaces serine, which is neutral and polar, with arginine, which is basic and polar, at codon 134 of the ADAR protein (p.Ser134Arg).